The following is an entry in ClinVar:

NM_182931.3(KMT2E):c.878G>A (p.Ser293Asn)

Gene: KMT2E (lysine methyltransferase 2E (inactive); plus strand). Cytogenetic location: 7q22.3.
Variant type: single nucleotide variant.
Coding change: c.878G>A on transcript NM_182931.3 (MANE Select); coding-DNA position 878, G replaced by A.
Protein change: p.Ser293Asn; replaces serine 293 with asparagine.
Molecular consequence: missense variant.
Genome position (GRCh38, 1-based): chr7:105,077,072, G>A. VCF-style: chr7-105077072-G-A. GRCh37 (hg19) VCF-style: chr7-104717519-G-A.
Other names: c.878G>A, p.Ser293Asn (NM_001410908.1, NM_018682.4); short protein forms S293N.
Identifiers: ClinVar variation 2868689 (VCV002868689.3), dbSNP rs372680962, ClinGen allele CA4423869.

ClinVar aggregate classification (germline): Uncertain significance (1 of 4 stars; one submission).

Allele frequency attached by ClinVar (database versions not stated): ExAC 0.00002; gnomAD exomes 0.00001; gnomAD 0.00002; TOPMed 0.00003; ESP Exome Variant Server 0.00008.

Submission:

Labcorp Genetics (formerly Invitae), Labcorp
Classification: Uncertain significance. Last evaluated: 2026-01-21. Review status: criteria provided, single submitter. Criteria: Invitae Variant Classification Sherloc (09022015). Collection method: clinical testing. Allele origin: germline.
Comment: This sequence change replaces serine, which is neutral and polar, with asparagine, which is neutral and polar, at codon 293 of the KMT2E protein (p.Ser293Asn). This variant is present in population databases (rs372680962, gnomAD 0.005%). This variant has not been reported in the literature in individuals affected with KMT2E-related conditions. ClinVar contains an entry for this variant (Variation ID: 2868689). Invitae Evidence Modeling of protein sequence and biophysical properties (such as structural, functional, and spatial information, amino acid conservation, physicochemical variation, residue mobility, and thermodynamic stability) indicates that this missense variant is expected to disrupt KMT2E protein function with a positive predictive value of 80%. In summary, the available evidence is currently insufficient to determine the role of this variant in disease. Therefore, it has been classified as a Variant of Uncertain Significance.